The following is an entry in ClinVar:

NM_014254.3(RXYLT1):c.162C>T (p.Arg54=)

Gene: RXYLT1 (ribitol xylosyltransferase 1; plus strand). Cytogenetic location: 12q14.2.
Variant type: single nucleotide variant.
Coding change: c.162C>T on transcript NM_014254.3 (MANE Select); coding-DNA position 162, C replaced by T.
Protein change: p.Arg54=; no amino-acid change (arginine 54 retained).
Molecular consequence: synonymous variant. On other transcripts: 5 prime UTR variant (1).
Genome position (GRCh38, 1-based): chr12:63,780,122, C>T. VCF-style: chr12-63780122-C-T. GRCh37 (hg19) VCF-style: chr12-64173902-C-T.
Other names: c.-952C>T (NM_001278237.2).
Identifiers: ClinVar variation 4084975 (VCV004084975.8).

ClinVar aggregate classification (germline): Likely benign (1 of 4 stars; one submission).

Submission:

CeGaT Center for Human Genetics Tuebingen
Classification: Likely benign. Last evaluated: 2025-07-01. Review status: criteria provided, single submitter. Criteria: CeGaT Center For Human Genetics Tuebingen Variant Classification Criteria Version 2. Collection method: clinical testing. Allele origin: germline. Affected: yes. Observed: 1 variant allele.
Comment: RXYLT1: BP4, BP7